The following is an entry in ClinVar:

ClinVar aggregate classification (germline): Uncertain significance (1 of 4 stars; one submission).

Conditions:
Long QT syndrome (LQTS). Identifiers: MedGen C0023976, MeSH D008133, MONDO:0002442. Disease mechanism: loss of function. Inheritance: Various modes of inheritance.

Submission:

Labcorp Genetics (formerly Invitae), Labcorp
Classification: Uncertain significance for Long QT syndrome. Last evaluated: 2024-09-03. Review status: criteria provided, single submitter. Criteria: Invitae Variant Classification Sherloc (09022015). Collection method: clinical testing. Allele origin: germline.
Comment: This sequence change replaces glutamic acid, which is acidic and polar, with glycine, which is neutral and non-polar, at codon 290 of the KCNQ1 protein (p.Glu290Gly). This variant is not present in population databases (gnomAD no frequency). This variant has not been reported in the literature in individuals affected with KCNQ1-related conditions. Invitae Evidence Modeling of protein sequence and biophysical properties (such as structural, functional, and spatial information, amino acid conservation, physicochemical variation, residue mobility, and thermodynamic stability) has been performed for this missense variant. However, the output from this modeling did not meet the statistical confidence thresholds required to predict the impact of this variant on KCNQ1 protein function. In summary, the available evidence is currently insufficient to determine the role of this variant in disease. Therefore, it has been classified as a Variant of Uncertain Significance.

NM_000218.3(KCNQ1):c.869A>G (p.Glu290Gly)

Gene: KCNQ1 (potassium voltage-gated channel subfamily Q member 1; plus strand). Cytogenetic location: 11p15.5.
Variant type: single nucleotide variant.
Coding change: c.869A>G on transcript NM_000218.3 (MANE Select); coding-DNA position 869, A replaced by G.
Protein change: p.Glu290Gly; replaces glutamic acid 290 with glycine.
Molecular consequence: missense variant. On other transcripts: intron variant (1).
Genome position (GRCh38, 1-based): chr11:2,572,934, A>G. VCF-style: chr11-2572934-A-G. GRCh37 (hg19) VCF-style: chr11-2594164-A-G.
Other names: c.869A>G, p.Glu290Gly (NM_001406836.1); c.599A>G, p.Glu200Gly (NM_001406837.1); c.488A>G, p.Glu163Gly (NM_181798.2); c.478-10501A>G (NM_001406838.1); short protein forms E290G, E200G, E163G.
Identifiers: ClinVar variation 2800725 (VCV002800725.3), dbSNP rs2493674143, ClinGen allele CA379131576.
Genomic context (GRCh38, chr11:2,572,934, plus strand): 5'-TCCTGGGCCTCATCTTCTCCTCGTACTTTGTGTACCTGGCTGAGAAGGACGCGGTGAACG[A>G]GTCAGGCCGCGTGGAGTTCGGCAGCTACGCAGATGCGCTGTGGTGGGGGGTGGTAAGTCG-3'
Protein context (NP_000209.2, residues 280-300): VYLAEKDAVN[Glu290Gly]SGRVEFGSYA